The following is an entry in ClinVar:

ClinVar aggregate classification (germline): Benign (1 of 4 stars; one submission).

Conditions:
Exudative vitreoretinopathy 1 (EVR1). Also called: FEVR, AUTOSOMAL DOMINANT; Familial exudative vitreoretinopathy, autosomal dominant; CRISWICK-SCHEPENS SYNDROME. Identifiers: Orphanet 891, Orphanet 90050, MedGen C1851402, MONDO:0007589, OMIM 133780.

Allele frequency attached by ClinVar (database versions not stated): TOPMed 0.00047; gnomAD 0.00051 and 0.00056; 1000 Genomes Project 0.00060; 1000 Genomes Project 30x 0.00078.

Submission:

Illumina Laboratory Services, Illumina
Classification: Benign for Exudative vitreoretinopathy 1. Last evaluated: 2018-01-12. Review status: criteria provided, single submitter. Criteria: ICSL Variant Classification Criteria 13 December 2019. Collection method: clinical testing. Allele origin: germline.
Comment: This variant was observed in the ICSL laboratory as part of a predisposition screen in an ostensibly healthy population. It had not been previously curated by ICSL or reported in the Human Gene Mutation Database (HGMD: prior to June 1st, 2018), and was therefore a candidate for classification through an automated scoring system. Utilizing variant allele frequency, disease prevalence and penetrance estimates, and inheritance mode, an automated score was calculated to assess if this variant is too frequent to cause the disease. Based on the score and internal cut-off values, a variant classified as benign is not then subjected to further curation. The score for this variant resulted in a classification of benign for this disease.

NM_012193.4(FZD4):c.*3775C>T

Genes: PRSS23 (serine protease 23; plus strand), FZD4 (frizzled class receptor 4; minus strand). Cytogenetic location: 11q14.2.
Variant type: single nucleotide variant.
Coding change: c.*3775C>T on transcript NM_012193.4 (MANE Select); 3775 bases downstream of the stop codon, C replaced by T.
Molecular consequence: 3 prime UTR variant.
Genome position (GRCh38, 1-based): chr11:86,947,367, G>A on the plus strand (C>T on the coding strand, the complement: FZD4 is on the minus strand). VCF-style: chr11-86947367-G-A. GRCh37 (hg19) VCF-style: chr11-86658409-G-A.
Identifiers: ClinVar variation 880609 (VCV000880609.4), dbSNP rs112177728, ClinGen allele CA225376901.